The following is an entry in ClinVar:

ClinVar aggregate classification (germline): Likely benign (0 of 4 stars; one submission).

Conditions:
NLRP2-related disorder. Also called: NLRP2-related condition.

gnomAD v4.1: 221 of 1,613,994 alleles (0.014%); highest among the groups gnomAD compares: Non-Finnish European, 0.018%; no homozygotes.

Submission:

PreventionGenetics, part of Exact Sciences
Classification: Likely benign for NLRP2-related condition. Last evaluated: 2020-11-03. Review status: no assertion criteria provided. Collection method: clinical testing. Allele origin: germline.
Comment: This variant is classified as likely benign based on ACMG/AMP sequence variant interpretation guidelines (Richards et al. 2015 PMID: 25741868, with internal and published modifications).

NM_017852.5(NLRP2):c.903C>T (p.Ile301=)

Gene: NLRP2 (NLR family pyrin domain containing 2; plus strand). Cytogenetic location: 19q13.42.
Variant type: single nucleotide variant.
Coding change: c.903C>T on transcript NM_017852.5 (MANE Select); coding-DNA position 903, C replaced by T.
Protein change: p.Ile301=; no amino-acid change (isoleucine 301 retained).
Molecular consequence: synonymous variant. On other transcripts: non-coding transcript variant (1).
Genome position (GRCh38, 1-based): chr19:54,982,601, C>T. VCF-style: chr19-54982601-C-T. GRCh37 (hg19) VCF-style: chr19-55493969-C-T.
Other names: c.903C>T, p.Ile301= (NM_001174081.3); c.837C>T, p.Ile279= (NM_001174082.3); c.834C>T, p.Ile278= (NM_001174083.2); c.894C>T, p.Ile298= (NM_001348003.2).
Identifiers: ClinVar variation 3042496 (VCV003042496.2), dbSNP rs144397371, ClinGen allele CA310103272.